The following is an entry in ClinVar:

NM_004990.4(MARS1):c.2291G>C (p.Ser764Thr)

Gene: MARS1 (methionyl-tRNA synthetase 1; plus strand). Cytogenetic location: 12q13.3.
Variant type: single nucleotide variant.
Coding change: c.2291G>C on transcript NM_004990.4 (MANE Select); coding-DNA position 2291, G replaced by C.
Protein change: p.Ser764Thr; replaces serine 764 with threonine.
Molecular consequence: missense variant.
Genome position (GRCh38, 1-based): chr12:57,515,236, G>C. VCF-style: chr12-57515236-G-C. GRCh37 (hg19) VCF-style: chr12-57909019-G-C.
Other names: short protein forms S764T.
Identifiers: ClinVar variation 1681785 (VCV001681785.8), dbSNP rs1565652335, ClinGen allele CA385466440.
Genomic context (GRCh38, chr12:57,515,236, plus strand): 5'-TGGCAGTGAATATAGCTGCCTTGCTCTCTGTCATGCTTCAGCCTTACATGCCCACGGTTA[G>C]TGCCACAATCCAGGCCCAGCTGCAGCTCCCACCTCCAGCCTGCAGTATCCTGCTGACAAA-3'
Protein context (NP_004981.2, residues 754-774): VMLQPYMPTV[Ser764Thr]ATIQAQLQLP

ClinVar aggregate classification (germline): Uncertain significance (1 of 4 stars; one submission).

Conditions:
Severe early-onset pulmonary alveolar proteinosis due to MARS deficiency. Also called: PULMONARY ALVEOLAR PROTEINOSIS, REUNION ISLAND; Interstitial lung and liver disease. Identifiers: Orphanet 440427, MedGen C4225400, MONDO:0014206, OMIM 615486.
Charcot-Marie-Tooth disease axonal type 2U. Also called: CHARCOT-MARIE-TOOTH NEUROPATHY, TYPE 2U; CHARCOT-MARIE-TOOTH DISEASE, AXONAL, AUTOSOMAL DOMINANT, TYPE 2U. Identifiers: Orphanet 397735, MedGen C4084821, MONDO:0014566, OMIM 616280.

Submission:

Labcorp Genetics (formerly Invitae), Labcorp
Classification: Uncertain significance for Charcot-Marie-Tooth disease axonal type 2U; Severe early-onset pulmonary alveolar proteinosis due to MARS deficiency. Last evaluated: 2024-10-15. Review status: criteria provided, single submitter. Criteria: Invitae Variant Classification Sherloc (09022015). Collection method: clinical testing. Allele origin: germline.
Comment: This sequence change replaces serine, which is neutral and polar, with threonine, which is neutral and polar, at codon 764 of the MARS protein (p.Ser764Thr). This variant is not present in population databases (gnomAD no frequency). This variant has not been reported in the literature in individuals affected with MARS-related conditions. ClinVar contains an entry for this variant (Variation ID: 1681785). An algorithm developed to predict the effect of missense changes on protein structure and function (PolyPhen-2) suggests that this variant is likely to be disruptive. In summary, the available evidence is currently insufficient to determine the role of this variant in disease. Therefore, it has been classified as a Variant of Uncertain Significance.